The following is an entry in ClinVar:

ClinVar aggregate classification (germline): Pathogenic (1 of 4 stars; one submission).

Submission:

Labcorp Genetics (formerly Invitae), Labcorp
Classification: Pathogenic. Last evaluated: 2024-04-24. Review status: criteria provided, single submitter. Criteria: Invitae Variant Classification Sherloc (09022015). Collection method: clinical testing. Allele origin: germline.
Comment: This sequence change creates a premature translational stop signal (p.Asp1472Thrfs*17) in the ABCC2 gene. It is expected to result in an absent or disrupted protein product. Loss-of-function variants in ABCC2 are known to be pathogenic (PMID: 9185779, 16549534, 16952291). This variant is not present in population databases (gnomAD no frequency). This variant has not been reported in the literature in individuals affected with ABCC2-related conditions. For these reasons, this variant has been classified as Pathogenic.

Literature cited by the submitters: PubMed 9185779; PubMed 16549534; PubMed 16952291.

NM_000392.5(ABCC2):c.4413del (p.Asp1472fs)

Gene: ABCC2 (ATP binding cassette subfamily C member 2; plus strand). Cytogenetic location: 10q24.2.
Variant type: Deletion.
Coding change: c.4413del on transcript NM_000392.5 (MANE Select); coding-DNA position 4413, one base deleted (A; older notation c.4413delA).
Protein change: p.Asp1472fs; shifts the reading frame from aspartic acid 1472.
Molecular consequence: frameshift variant.
Genome position (GRCh38, 1-based): chr10:99,850,701, A deleted. VCF-style (leftmost placement, unchanged base first): chr10-99850700-CA-C. GRCh37 (hg19) VCF-style: chr10-101610457-CA-C.
Other names: short protein forms D1472fs.
Identifiers: ClinVar variation 3668336 (VCV003668336.2).
Genomic context (GRCh38, chr10:99,850,700, plus strand): 5'-TGCTTCGGAAATCCAAGATCCTGGTCCTGGATGAGGCCACTGCTGCGGTGGATCTAGAGA[CA>C]GACAACCTCATTCAGACGACCATCCAAAACGAGTTCGCCCACTGCACAGTGATCACCATC-3'